The following is an entry in ClinVar:

NM_020738.4(KIDINS220):c.2658T>C (p.Leu886=)

Gene: KIDINS220 (kinase D interacting substrate 220; minus strand). Cytogenetic location: 2p25.1.
Variant type: single nucleotide variant.
Coding change: c.2658T>C on transcript NM_020738.4 (MANE Select); coding-DNA position 2658, T replaced by C.
Protein change: p.Leu886=; no amino-acid change (leucine 886 retained).
Molecular consequence: synonymous variant. On other transcripts: non-coding transcript variant (2).
Genome position (GRCh38, 1-based): chr2:8,778,684, A>G on the plus strand (T>C on the coding strand, the complement: KIDINS220 is on the minus strand). VCF-style: chr2-8778684-A-G. GRCh37 (hg19) VCF-style: chr2-8918814-A-G.
Other names: c.2658T>C (NM_020738.2); c.2661T>C, p.Leu887= (NM_001348729.2, NM_001348731.2, NM_001348734.2 and 3 more transcripts); c.2658T>C, p.Leu886= (NM_001348732.2, NM_001348735.2, NM_001348738.2 and 3 more transcripts); c.2532T>C, p.Leu844= (NM_001348736.2).
Identifiers: ClinVar variation 2076460 (VCV002076460.5), dbSNP rs771342481, ClinGen allele CA42330526.

ClinVar aggregate classification (germline): Likely benign. Review status: criteria provided, single submitter (1 of 4 stars). 2 submissions from 2 submitters: Likely benign (1). 1 of the submissions does not count toward it. Last evaluated 2022-01-26.

Conditions:
KIDINS220-related disorder. Also called: KIDINS220-related condition.

Allele frequency attached by ClinVar (database versions not stated): gnomAD 0.00001; gnomAD exomes 0.00001; TOPMed below 0.00001.

Submissions (2):

Labcorp Genetics (formerly Invitae), Labcorp
Classification: Likely benign. Last evaluated: 2022-01-26. Review status: criteria provided, single submitter. Criteria: Invitae Variant Classification Sherloc (09022015). Collection method: clinical testing. Allele origin: germline.

PreventionGenetics, part of Exact Sciences
Classification: Likely benign for KIDINS220-related condition. Last evaluated: 2023-11-01. Review status: no assertion criteria provided. Collection method: clinical testing. Allele origin: germline. Not counted in ClinVar's aggregate classification.
Comment: This variant is classified as likely benign based on ACMG/AMP sequence variant interpretation guidelines (Richards et al. 2015 PMID: 25741868, with internal and published modifications).